The following is an entry in ClinVar:

NM_152641.4(ARID2):c.4789C>T (p.Pro1597Ser)

Gene: ARID2 (AT-rich interaction domain 2; plus strand). Cytogenetic location: 12q12.
Variant type: single nucleotide variant.
Coding change: c.4789C>T on transcript NM_152641.4 (MANE Select); coding-DNA position 4789, C replaced by T.
Protein change: p.Pro1597Ser; replaces proline 1597 with serine.
Molecular consequence: missense variant.
Genome position (GRCh38, 1-based): chr12:45,860,816, C>T. VCF-style: chr12-45860816-C-T. GRCh37 (hg19) VCF-style: chr12-46254599-C-T.
Other names: c.4789C>T, p.Pro1597Ser (NM_001347839.2); short protein forms P1597S.
Identifiers: ClinVar variation 1879232 (VCV001879232.29), dbSNP rs763117295, ClinGen allele CA6526733.

ClinVar aggregate classification (germline): Likely benign (1 of 4 stars; one submission).

Allele frequency attached by ClinVar (database versions not stated): ExAC 0.00001; gnomAD 0.00001; gnomAD exomes 0.00001; TOPMed 0.00001.
gnomAD v4.1: 21 of 1,591,086 alleles (0.0013%); highest among the groups gnomAD compares: Non-Finnish European, 0.0015%; no homozygotes.

Submission:

CeGaT Center for Human Genetics Tuebingen
Classification: Likely benign. Last evaluated: 2022-10-01. Review status: criteria provided, single submitter. Criteria: CeGaT Center For Human Genetics Tuebingen Variant Classification Criteria Version 2. Collection method: clinical testing. Allele origin: germline. Affected: yes. Observed: 1 variant allele.
Comment: ARID2: BP4